The following is an entry in ClinVar:

ClinVar aggregate classification (germline): Uncertain significance. Review status: criteria provided, multiple submitters, no conflicts (2 of 4 stars). 3 submissions from 3 submitters: Uncertain significance (3). Last evaluated 2024-08-21.

Conditions:
Inborn genetic diseases. Identifiers: MedGen C0950123, MeSH D030342.

Allele frequency attached by ClinVar (database versions not stated): gnomAD 0.00001; gnomAD exomes 0.00001; TOPMed 0.00002.
gnomAD v4.1: 18 of 1,614,114 alleles (0.0011%); highest among the groups gnomAD compares: Admixed American, 0.0017%; no homozygotes.

Submissions (3):

Blueprint Genetics
Classification: Uncertain significance. Last evaluated: 2024-08-21. Review status: criteria provided, single submitter. Criteria: ACMG Guidelines, 2015. Collection method: clinical testing. Allele origin: germline.

Ambry Genetics
Classification: Uncertain significance for Inborn genetic diseases. Last evaluated: 2023-12-17. Review status: criteria provided, single submitter. Criteria: Ambry Variant Classification Scheme 2023. Collection method: clinical testing. Allele origin: germline.

Labcorp Genetics (formerly Invitae), Labcorp
Classification: Uncertain significance. Last evaluated: 2022-04-20. Review status: criteria provided, single submitter. Criteria: Invitae Variant Classification Sherloc (09022015). Collection method: clinical testing. Allele origin: germline.
Comment: This sequence change replaces glutamic acid, which is acidic and polar, with lysine, which is basic and polar, at codon 5040 of the USH2A protein (p.Glu5040Lys). This variant is not present in population databases (gnomAD no frequency). This variant has not been reported in the literature in individuals affected with USH2A-related conditions. Algorithms developed to predict the effect of missense changes on protein structure and function are either unavailable or do not agree on the potential impact of this missense change (SIFT: "Deleterious"; PolyPhen-2: "Possibly Damaging"; Align-GVGD: "Class C0"). In summary, the available evidence is currently insufficient to determine the role of this variant in disease. Therefore, it has been classified as a Variant of Uncertain Significance.

NM_206933.4(USH2A):c.15118G>A (p.Glu5040Lys)

Gene: USH2A (usherin; minus strand). Cytogenetic location: 1q41.
Variant type: single nucleotide variant.
Coding change: c.15118G>A on transcript NM_206933.4 (MANE Select); coding-DNA position 15118, G replaced by A.
Protein change: p.Glu5040Lys; replaces glutamic acid 5040 with lysine.
Molecular consequence: missense variant.
Genome position (GRCh38, 1-based): chr1:215,634,638, C>T on the plus strand (G>A on the coding strand, the complement: USH2A is on the minus strand). VCF-style: chr1-215634638-C-T. GRCh37 (hg19) VCF-style: chr1-215807980-C-T.
Other names: c.15118G>A (NM_206933.2); short protein forms E5040K.
Identifiers: ClinVar variation 1989865 (VCV001989865.3), dbSNP rs969737676, ClinGen allele CA37374243.